The following is an entry in ClinVar:

NM_006258.4(PRKG1):c.97G>C (p.Asp33His)

Gene: PRKG1 (protein kinase cGMP-dependent 1; plus strand). Cytogenetic location: 10q11.23.
Variant type: single nucleotide variant.
Coding change: c.97G>C on transcript NM_006258.4 (MANE Select); coding-DNA position 97, G replaced by C.
Protein change: p.Asp33His; replaces aspartic acid 33 with histidine.
Molecular consequence: missense variant. On other transcripts: intron variant (1).
Genome position (GRCh38, 1-based): chr10:51,074,687, G>C. VCF-style: chr10-51074687-G-C. GRCh37 (hg19) VCF-style: chr10-52834447-G-C.
Other names: c.97G>C, p.Asp33His (NM_001374782.1); c.267-78477G>C (NM_001098512.3); short protein forms D33H.
Identifiers: ClinVar variation 3225520 (VCV003225520.1), dbSNP rs2493152026, ClinGen allele CA376826783.

ClinVar aggregate classification (germline): Uncertain significance (1 of 4 stars; one submission).

Conditions:
Familial thoracic aortic aneurysm and aortic dissection (TAAD). Also called: Thoracic aortic aneurysms and dissections. Identifiers: Orphanet 91387, MedGen C4707243, MONDO:0019625.

Submission:

Ambry Genetics
Classification: Uncertain significance for Familial thoracic aortic aneurysm and aortic dissection. Last evaluated: 2024-03-05. Review status: criteria provided, single submitter. Criteria: Ambry Variant Classification Scheme 2023. Collection method: clinical testing. Allele origin: germline.
Comment: The p.D33H variant (also known as c.97G>C), located in coding exon 1 of the PRKG1 gene, results from a G to C substitution at nucleotide position 97. The aspartic acid at codon 33 is replaced by histidine, an amino acid with similar properties. This amino acid position is conserved. In addition, the in silico prediction for this alteration is inconclusive. Based on the available evidence, the clinical significance of this alteration remains unclear.